The following is an entry in ClinVar:

ClinVar aggregate classification (germline): Likely benign. Review status: criteria provided, multiple submitters, no conflicts (2 of 4 stars). 3 submissions from 3 submitters: Likely benign (2). 1 of the submissions does not count toward it. Last evaluated 2026-03-01.

Conditions:
NEFH-related disorder. Also called: NEFH-related condition.

Allele frequency attached by ClinVar (database versions not stated): gnomAD exomes 0.00008 and 0.00019; TOPMed 0.00008; ExAC 0.00009; gnomAD 0.00009 and 0.00011; 1000 Genomes Project 30x 0.00016; 1000 Genomes Project 0.00020.
gnomAD v4.1: 268 of 1,532,096 alleles (0.017%); highest among the groups gnomAD compares: Non-Finnish European, 0.023%; no homozygotes.

Submissions (3):

CeGaT Center for Human Genetics Tuebingen
Classification: Likely benign. Last evaluated: 2026-03-01. Review status: criteria provided, single submitter. Criteria: CeGaT Center For Human Genetics Tuebingen Variant Classification Criteria Version 2. Collection method: clinical testing. Allele origin: germline. Affected: yes. Observed: 1 variant allele.
Comment: NEFH: BP4, BP7

Labcorp Genetics (formerly Invitae), Labcorp
Classification: Likely benign. Last evaluated: 2025-10-29. Review status: criteria provided, single submitter. Criteria: Invitae Variant Classification Sherloc (09022015). Collection method: clinical testing. Allele origin: germline.

PreventionGenetics, part of Exact Sciences
Classification: Likely benign for NEFH-related condition. Last evaluated: 2023-05-11. Review status: no assertion criteria provided. Collection method: clinical testing. Allele origin: germline. Not counted in ClinVar's aggregate classification.
Comment: This variant is classified as likely benign based on ACMG/AMP sequence variant interpretation guidelines (Richards et al. 2015 PMID: 25741868, with internal and published modifications).

NM_021076.4(NEFH):c.810G>C (p.Ala270=)

Gene: NEFH (neurofilament heavy chain; plus strand). Cytogenetic location: 22q12.2.
Variant type: single nucleotide variant.
Coding change: c.810G>C on transcript NM_021076.4 (MANE Select); coding-DNA position 810, G replaced by C.
Protein change: p.Ala270=; no amino-acid change (alanine 270 retained).
Molecular consequence: synonymous variant.
Genome position (GRCh38, 1-based): chr22:29,481,072, G>C. VCF-style: chr22-29481072-G-C. GRCh37 (hg19) VCF-style: chr22-29877061-G-C.
Other names: c.810G>C (NM_021076.3).
Identifiers: ClinVar variation 1594695 (VCV001594695.14), dbSNP rs201868609, ClinGen allele CA10174041.